The following is an entry in ClinVar:

NM_000083.3(CLCN1):c.529C>G (p.Leu177Val)

Gene: CLCN1 (chloride voltage-gated channel 1; plus strand). Cytogenetic location: 7q34.
Variant type: single nucleotide variant.
Coding change: c.529C>G on transcript NM_000083.3 (MANE Select); coding-DNA position 529, C replaced by G.
Protein change: p.Leu177Val; replaces leucine 177 with valine.
Molecular consequence: missense variant. On other transcripts: non-coding transcript variant (1).
Genome position (GRCh38, 1-based): chr7:143,321,460, C>G. VCF-style: chr7-143321460-C-G. GRCh37 (hg19) VCF-style: chr7-143018553-C-G.
Other names: short protein forms L177V.
Identifiers: ClinVar variation 938937 (VCV000938937.1), dbSNP rs766286036, ClinGen allele CA4536977.

ClinVar aggregate classification (germline): Uncertain significance (1 of 4 stars; one submission).

Conditions:
Congenital myotonia, autosomal dominant form (THD). Also called: THOMSEN DISEASE; Myotonia congenita autosomal dominant. Identifiers: Orphanet 614, MedGen C2936781, MONDO:0008055, OMIM 160800.
Congenital myotonia, autosomal recessive form. Also called: Becker Generalized Myotonia; myotonia congenita, autosomal recessive; BECKER DISEASE. Identifiers: Orphanet 614, MedGen C0751360, MONDO:0009715, OMIM 255700.

Allele frequency attached by ClinVar (database versions not stated): ExAC 0.00001.

Submission:

Labcorp Genetics (formerly Invitae), Labcorp
Classification: Uncertain significance for Congenital myotonia, autosomal recessive form; Congenital myotonia, autosomal dominant form. Last evaluated: 2019-08-26. Review status: criteria provided, single submitter. Criteria: Invitae Variant Classification Sherloc (09022015). Collection method: clinical testing. Allele origin: germline.
Comment: This sequence change replaces leucine with valine at codon 177 of the CLCN1 protein (p.Leu177Val). The leucine residue is moderately conserved and there is a small physicochemical difference between leucine and valine. This variant is present in population databases (rs766286036, ExAC 0.001%). This variant has not been reported in the literature in individuals with CLCN1-related conditions. Algorithms developed to predict the effect of missense changes on protein structure and function (SIFT, PolyPhen-2, Align-GVGD) all suggest that this variant is likely to be tolerated, but these predictions have not been confirmed by published functional studies and their clinical significance is uncertain. In summary, the available evidence is currently insufficient to determine the role of this variant in disease. Therefore, it has been classified as a Variant of Uncertain Significance.